The following is an entry in ClinVar:

NM_005732.4(RAD50):c.3499T>G (p.Ser1167Ala)

Genes: TH2LCRR (T helper type 2 locus control region associated RNA; minus strand), TH2-LCR (Th2 cytokine locus control region; plus strand), RAD50 (RAD50 double strand break repair protein; plus strand). Cytogenetic location: 5q31.1.
Variant type: single nucleotide variant.
Coding change: c.3499T>G on transcript NM_005732.4 (MANE Select); coding-DNA position 3499, T replaced by G.
Protein change: p.Ser1167Ala; replaces serine 1167 with alanine.
Molecular consequence: missense variant. On other transcripts: non-coding transcript variant (2).
Genome position (GRCh38, 1-based): chr5:132,638,104, T>G. VCF-style: chr5-132638104-T-G. GRCh37 (hg19) VCF-style: chr5-131973796-T-G.
Other names: short protein forms S1167A.
Identifiers: ClinVar variation 1732013 (VCV001732013.5), dbSNP rs2479427522, ClinGen allele CA360931204.

ClinVar aggregate classification (germline): Uncertain significance. Review status: criteria provided, multiple submitters, no conflicts (2 of 4 stars). 2 submissions from 2 submitters: Uncertain significance (2). Last evaluated 2023-12-21.

Conditions:
Hereditary cancer-predisposing syndrome. Also called: Neoplastic Syndromes, Hereditary; Tumor predisposition; Hereditary Cancer Syndrome; Hereditary neoplastic syndrome. Identifiers: Orphanet 140162, MedGen C0027672, MeSH D009386, MONDO:0015356.

Submissions (2):

Ambry Genetics
Classification: Uncertain significance for Hereditary cancer-predisposing syndrome. Last evaluated: 2023-12-21. Review status: criteria provided, single submitter. Criteria: Ambry Variant Classification Scheme 2023. Collection method: clinical testing. Allele origin: germline.
Comment: The p.S1167A variant (also known as c.3499T>G), located in coding exon 23 of the RAD50 gene, results from a T to G substitution at nucleotide position 3499. The serine at codon 1167 is replaced by alanine, an amino acid with similar properties. This amino acid position is conserved. In addition, this alteration is predicted to be tolerated by in silico analysis. Since supporting evidence is limited at this time, the clinical significance of this alteration remains unclear.

Labcorp Genetics (formerly Invitae), Labcorp
Classification: Uncertain significance for Hereditary cancer-predisposing syndrome. Last evaluated: 2023-01-02. Review status: criteria provided, single submitter. Criteria: Invitae Variant Classification Sherloc (09022015). Collection method: clinical testing. Allele origin: germline.
Comment: This sequence change replaces serine, which is neutral and polar, with alanine, which is neutral and non-polar, at codon 1167 of the RAD50 protein (p.Ser1167Ala). ClinVar contains an entry for this variant (Variation ID: 1732013). This variant has not been reported in the literature in individuals affected with RAD50-related conditions. This variant is not present in population databases (gnomAD no frequency). In summary, the available evidence is currently insufficient to determine the role of this variant in disease. Therefore, it has been classified as a Variant of Uncertain Significance. Advanced modeling of protein sequence and biophysical properties (such as structural, functional, and spatial information, amino acid conservation, physicochemical variation, residue mobility, and thermodynamic stability) performed at Invitae indicates that this missense variant is not expected to disrupt RAD50 protein function.